The following is an entry in ClinVar:

NM_001036.6(RYR3):c.7389G>T (p.Arg2463Ser)

Gene: RYR3 (ryanodine receptor 3; plus strand). Cytogenetic location: 15q14.
Variant type: single nucleotide variant.
Coding change: c.7389G>T on transcript NM_001036.6 (MANE Select); coding-DNA position 7389, G replaced by T.
Protein change: p.Arg2463Ser; replaces arginine 2463 with serine.
Molecular consequence: missense variant.
Genome position (GRCh38, 1-based): chr15:33,731,659, G>T. VCF-style: chr15-33731659-G-T. GRCh37 (hg19) VCF-style: chr15-34023860-G-T.
Other names: c.7389G>T, p.Arg2463Ser (NM_001243996.4); c.7389G>T (NM_001036.3); short protein forms R2463S.
Identifiers: ClinVar variation 847776 (VCV000847776.8), dbSNP rs763616243, ClinGen allele CA7459853.
Genomic context (GRCh38, chr15:33,731,659, plus strand): 5'-TTCCACACTGCAGACAATATACAGGCTATCCAAGGGACGTTCCCTCACCAAAGCACAAAG[G>T]GACACTATAGAAGAATGTTTGCTTGCCATTTGCAAGTAAGTACATATCCTATGTTGTTAC-3'
Protein context (NP_001027.3, residues 2453-2473): SKGRSLTKAQ[Arg2463Ser]DTIEECLLAI

ClinVar aggregate classification (germline): Uncertain significance. Review status: criteria provided, multiple submitters, no conflicts (2 of 4 stars). 2 submissions from 2 submitters: Uncertain significance (2). Last evaluated 2025-02-27.

Conditions:
Epileptic encephalopathy. Identifiers: MedGen C0543888, HP:0200134.

Allele frequency attached by ClinVar (database versions not stated): TOPMed 0.00005.
gnomAD v4.1: 92 of 1,613,188 alleles (0.0057%); highest among the groups gnomAD compares: Non-Finnish European, 0.0067%; no homozygotes.

Submissions (2):

Ambry Genetics
Classification: Uncertain significance. Last evaluated: 2025-02-27. Review status: criteria provided, single submitter. Criteria: Ambry Variant Classification Scheme 2023. Collection method: clinical testing. Allele origin: germline.

Labcorp Genetics (formerly Invitae), Labcorp
Classification: Uncertain significance for Epileptic encephalopathy. Last evaluated: 2022-07-19. Review status: criteria provided, single submitter. Criteria: Invitae Variant Classification Sherloc (09022015). Collection method: clinical testing. Allele origin: germline.
Comment: This sequence change replaces arginine, which is basic and polar, with serine, which is neutral and polar, at codon 2463 of the RYR3 protein (p.Arg2463Ser). This variant is present in population databases (rs763616243, gnomAD 0.05%). This variant has not been reported in the literature in individuals affected with RYR3-related conditions. ClinVar contains an entry for this variant (Variation ID: 847776). Algorithms developed to predict the effect of missense changes on protein structure and function (SIFT, PolyPhen-2, Align-GVGD) all suggest that this variant is likely to be disruptive. In summary, the available evidence is currently insufficient to determine the role of this variant in disease. Therefore, it has been classified as a Variant of Uncertain Significance.